The following is an entry in ClinVar:

NM_000256.3(MYBPC3):c.2641G>A (p.Val881Ile)

Gene: MYBPC3 (myosin binding protein C3; minus strand). Cytogenetic location: 11p11.2.
Variant type: single nucleotide variant.
Coding change: c.2641G>A on transcript NM_000256.3 (MANE Select); coding-DNA position 2641, G replaced by A.
Protein change: p.Val881Ile; replaces valine 881 with isoleucine.
Molecular consequence: missense variant.
Genome position (GRCh38, 1-based): chr11:47,335,973, C>T on the plus strand (G>A on the coding strand, the complement: MYBPC3 is on the minus strand). VCF-style: chr11-47335973-C-T. GRCh37 (hg19) VCF-style: chr11-47357524-C-T.
Other names: short protein forms V881I.
Identifiers: ClinVar variation 177854 (VCV000177854.22), dbSNP rs727504360, ClinGen allele CA012797.
Genomic context (GRCh38, chr11:47,335,973, plus strand): 5'-GGCCTCCTGCTCCCACGCGCTCTGGGGGCCGCCACTTGAGGGAGACCGTGGTGTCAGAGA[C>T]GTCCTCTACTGCCAGGTGGGTGGGTTCGCTGGGGGGACCTGGGCAGAGGAGAGGTCAGAG-3'
Protein context (NP_000247.2, residues 871-891): SEPTHLAVED[Val881Ile]SDTTVSLKWR

ClinVar aggregate classification (germline): Conflicting classifications of pathogenicity. Review status: criteria provided, conflicting classifications (1 of 4 stars). 7 submissions from 7 submitters: Uncertain significance (5); Likely benign (2). Last evaluated 2026-08-06.

Conditions:
Cardiovascular phenotype. Identifiers: MedGen CN230736.
MYBPC3-related disorder. Also called: MYBPC3-related disorders; MYBPC3-related condition; MYBPC3-related disease.
Cardiomyopathy (CMYO). Also called: Cardiomyopathies. Identifiers: Orphanet 167848, MedGen C0878544, MONDO:0004994, HP:0001638. Inheritance: Various modes of inheritance.
Hypertrophic cardiomyopathy. Also called: HYPERTROPHIC MYOCARDIOPATHY. Identifiers: Orphanet 217569, MedGen C0007194, MeSH D002312, MONDO:0005045, HP:0001639.

Allele frequency attached by ClinVar (database versions not stated): ExAC 0.00002; gnomAD exomes 0.00002; TOPMed 0.00002; gnomAD 0.00001.
gnomAD v4.1: 21 of 1,552,456 alleles (0.0014%); highest among the groups gnomAD compares: Middle Eastern, 0.068%; 2 homozygotes.

Submissions (7):

Ambry Genetics
Classification: Likely benign for Cardiovascular phenotype. Last evaluated: 2026-08-06. Review status: criteria provided, single submitter. Criteria: Ambry Variant Classification Scheme 2023. Collection method: clinical testing. Allele origin: germline.

PreventionGenetics, part of Exact Sciences
Classification: Uncertain significance for MYBPC3-related condition. Last evaluated: 2026-04-08. Review status: criteria provided, single submitter. Criteria: ACMG Guidelines, 2015. Collection method: clinical testing. Allele origin: germline.
Comment: The MYBPC3 c.2641G>A variant is predicted to result in the amino acid substitution p.Val881Ile. This variant has been reported in cohort studies of individuals with cardiomyopathy (Table S3 in Pugh et al. 2014. PubMed ID: 24503780; Table S1B in Walsh et al. 2017. PubMed ID: 27532257; Table S1 in Chung et al. 2021. PubMed ID: 33658040; Supplementary Table S8 in McGurk et al. 2023. PubMed ID: 37652022). One of the individuals with hypertrophic cardiomyopathy also carried a pathogenic frameshift variant in MYBPC3 (Table S1 in Chung et al. 2021. PubMed ID: 33658040). This variant is reported in 0.0071% of alleles in individuals of East Asian descent in gnomAD. At this time, the clinical significance of this variant is uncertain due to the absence of conclusive functional and genetic evidence.

Labcorp Genetics (formerly Invitae), Labcorp
Classification: Uncertain significance for Hypertrophic cardiomyopathy. Last evaluated: 2025-12-13. Review status: criteria provided, single submitter. Criteria: Invitae Variant Classification Sherloc (09022015). Collection method: clinical testing. Allele origin: germline.
Comment: This sequence change replaces valine, which is neutral and non-polar, with isoleucine, which is neutral and non-polar, at codon 881 of the MYBPC3 protein (p.Val881Ile). The frequency data for this variant in the population databases is considered unreliable, as metrics indicate poor data quality at this position in the gnomAD database. This missense change has been observed in individual(s) with MYBPC3-related conditions (PMID: 24503780, 27532257, 33658040, 37652022). ClinVar contains an entry for this variant (Variation ID: 177854). An algorithm developed to predict the effect of missense changes on protein structure and function outputs the following: PolyPhen-2: "Benign". The isoleucine amino acid residue is found in multiple mammalian species, which suggests that this missense change does not adversely affect protein function. In summary, the available evidence is currently insufficient to determine the role of this variant in disease. Therefore, it has been classified as a Variant of Uncertain Significance.

Color Diagnostics, LLC DBA Color Health
Classification: Uncertain significance for Cardiomyopathy. Last evaluated: 2025-06-09. Review status: criteria provided, single submitter. Criteria: ACMG Guidelines, 2015. Collection method: clinical testing. Allele origin: germline.
Comment: This missense variant replaces valine with isoleucine at codon 881 of the MYBPC3 protein. Computational prediction suggests that this variant may not impact protein structure and function. To our knowledge, functional studies have not been reported for this variant. This variant has been reported in an individual affected with hypertrophic cardiomyopathy (PMID: 33658040)this individual also carried a pathogenic truncation variant in the same gene. This variant has also been reported in an individual affected with dilated cardiomyopathy (PMID: 24503780, 27532257). This variant has been identified in 3/191894 chromosomes in the general population by the Genome Aggregation Database (gnomAD). The available evidence is insufficient to determine the role of this variant in disease conclusively. Therefore, this variant is classified as a Variant of Uncertain Significance.

All of Us Research Program, National Institutes of Health
Classification: Uncertain significance for Hypertrophic cardiomyopathy. Last evaluated: 2024-01-08. Review status: criteria provided, single submitter. Criteria: ACMG Guidelines, 2015. Collection method: clinical testing. Allele origin: germline. Inheritance: Autosomal dominant inheritance. Observed: 4 variant alleles, 4 heterozygotes.
Comment: This missense variant replaces valine with isoleucine at codon 881 of the MYBPC3 protein. Computational prediction suggests that this variant may not impact protein structure and function (internally defined REVEL score threshold <= 0.5, PMID: 27666373). To our knowledge, functional studies have not been reported for this variant. This variant has been reported in an individual affected with hypertrophic cardiomyopathy (PMID: 33658040); this individual also carried a different pathogenic variant in the MYBPC3 gene. This variant has also been reported in an individual affected with dilated cardiomyopathy (PMID: 24503780, 27532257). This variant has been identified in 3/191894 chromosomes in the general population by the Genome Aggregation Database (gnomAD). The available evidence is insufficient to determine the role of this variant in disease conclusively. Therefore, this variant is classified as a Variant of Uncertain Significance.

This study involves interpretation of variants in research participants for the purpose of population health screening. Participant phenotype was not available at the time of variant classification. Additional details can be found in publication PMID: 35346344, PMCID: PMC8962531

Blueprint Genetics
Classification: Likely benign. Last evaluated: 2021-03-12. Review status: criteria provided, single submitter. Criteria: ACMG Guidelines, 2015. Collection method: clinical testing. Allele origin: germline.

Laboratory for Molecular Medicine, Mass General Brigham Personalized Medicine
Classification: Uncertain significance. Last evaluated: 2018-02-15. Review status: criteria provided, single submitter. Criteria: LMM Criteria. Collection method: clinical testing. Allele origin: germline. Observed: 2 variant alleles.
Comment: proposed classification - variant undergoing re-assessment, contact laboratory

Literature cited by the submitters: PubMed 25611685 (cited by Ambry Genetics); PubMed 24503780 (cited by 3 submitters); PubMed 27532257 (cited by 3 submitters); PubMed 33658040 (cited by 3 submitters); PubMed 37652022 (cited by Labcorp Genetics (formerly Invitae), Labcorp); PubMed 12403824 (cited by Laboratory for Molecular Medicine, Mass General Brigham Personalized Medicine).